The following is an entry in ClinVar:

NM_000179.3(MSH6):c.3591T>C (p.Thr1197=)

Gene: MSH6 (mutS homolog 6; plus strand). Cytogenetic location: 2p16.3.
Variant type: single nucleotide variant.
Coding change: c.3591T>C on transcript NM_000179.3 (MANE Select); coding-DNA position 3591, T replaced by C.
Protein change: p.Thr1197=; no amino-acid change (threonine 1197 retained).
Molecular consequence: synonymous variant.
Genome position (GRCh38, 1-based): chr2:47,805,652, T>C. VCF-style: chr2-47805652-T-C. GRCh37 (hg19) VCF-style: chr2-48032791-T-C.
Other names: c.3201T>C, p.Thr1067= (NM_001281492.2); c.2685T>C, p.Thr895= (NM_001281493.2, NM_001281494.2).
Identifiers: ClinVar variation 386322 (VCV000386322.18), dbSNP rs771340721, ClinGen allele CA071445.

ClinVar aggregate classification (germline): Benign/Likely benign. Review status: criteria provided, multiple submitters, no conflicts (2 of 4 stars). 4 submissions from 4 submitters: Benign (1); Likely benign (3). Last evaluated 2025-07-31.

Conditions:
Hereditary nonpolyposis colorectal neoplasms. Identifiers: MedGen C0009405, MeSH D003123.
Hereditary cancer-predisposing syndrome. Also called: Hereditary Cancer Syndrome; Hereditary neoplastic syndrome; Neoplastic Syndromes, Hereditary; Tumor predisposition. Identifiers: Orphanet 140162, MedGen C0027672, MeSH D009386, MONDO:0015356.
Lynch syndrome 5 (LYNCH5). Also called: Hereditary non-polyposis colorectal cancer, type 5; Colorectal cancer, hereditary nonpolyposis, type 5. Identifiers: Orphanet 144, MedGen C1833477, MONDO:0013710, OMIM 614350. Disease mechanism: loss of function.

Allele frequency attached by ClinVar (database versions not stated): gnomAD exomes below 0.00001; ExAC 0.00001.
gnomAD v4.1: 2 of 1,613,742 alleles (0.00012%); highest among the groups gnomAD compares: East Asian, 0.0022%; no homozygotes.

Submissions (4):

Labcorp Genetics (formerly Invitae), Labcorp
Classification: Likely benign for Hereditary nonpolyposis colorectal neoplasms. Last evaluated: 2025-07-31. Review status: criteria provided, single submitter. Criteria: Invitae Variant Classification Sherloc (09022015). Collection method: clinical testing. Allele origin: germline.

Myriad Genetics, Inc.
Classification: Benign for Lynch syndrome 5. Last evaluated: 2025-01-07. Review status: criteria provided, single submitter. Criteria: Myriad Autosomal Dominant, Autosomal Recessive and X-Linked Classification Criteria (2023). Collection method: clinical testing. Allele origin: unknown.
Comment: This variant is considered benign. This variant is a silent/synonymous amino acid change and it is not expected to impact splicing.

GeneDx
Classification: Likely benign. Last evaluated: 2019-08-20. Review status: criteria provided, single submitter. Criteria: GeneDx Variant Classification Process June 2021. Collection method: clinical testing. Allele origin: germline. Affected: yes.

Ambry Genetics
Classification: Likely benign for Hereditary cancer-predisposing syndrome. Last evaluated: 2018-01-22. Review status: criteria provided, single submitter. Criteria: Ambry Variant Classification Scheme 2023. Collection method: clinical testing. Allele origin: germline.